The following is an entry in ClinVar:

NM_001130823.3(DNMT1):c.1016A>G (p.Lys339Arg)

Gene: DNMT1 (DNA methyltransferase 1; minus strand). Cytogenetic location: 19p13.2.
Variant type: single nucleotide variant.
Coding change: c.1016A>G on transcript NM_001130823.3 (MANE Select); coding-DNA position 1016, A replaced by G.
Protein change: p.Lys339Arg; replaces lysine 339 with arginine.
Molecular consequence: missense variant.
Genome position (GRCh38, 1-based): chr19:10,160,411, T>C on the plus strand (A>G on the coding strand, the complement: DNMT1 is on the minus strand). VCF-style: chr19-10160411-T-C. GRCh37 (hg19) VCF-style: chr19-10271087-T-C.
Other names: c.968A>G, p.Lys323Arg (NM_001318730.2, NM_001379.4); c.653A>G, p.Lys218Arg (NM_001318731.2); short protein forms K218R, K339R, K323R.
Identifiers: ClinVar variation 1998660 (VCV001998660.4), dbSNP rs2513838682, ClinGen allele CA403940367.

ClinVar aggregate classification (germline): Uncertain significance (1 of 4 stars; one submission).

Conditions:
Hereditary sensory neuropathy-deafness-dementia syndrome. Also called: Hereditary sensory neuropathy type IE; NEUROPATHY, HEREDITARY SENSORY, WITH HEARING LOSS AND DEMENTIA; Hereditary Sensory and Autonomic Neuropathy Type 1E (HSAN1E); HSN IE. Identifiers: Orphanet 456318, MedGen C3279885, MONDO:0013584, OMIM 614116.

Submission:

Labcorp Genetics (formerly Invitae), Labcorp
Classification: Uncertain significance for Hereditary sensory neuropathy-deafness-dementia syndrome. Last evaluated: 2022-05-25. Review status: criteria provided, single submitter. Criteria: Invitae Variant Classification Sherloc (09022015). Collection method: clinical testing. Allele origin: germline.
Comment: In summary, the available evidence is currently insufficient to determine the role of this variant in disease. Therefore, it has been classified as a Variant of Uncertain Significance. Algorithms developed to predict the effect of missense changes on protein structure and function are either unavailable or do not agree on the potential impact of this missense change (SIFT: "Deleterious"; PolyPhen-2: "Benign"; Align-GVGD: "Class C25"). This variant has not been reported in the literature in individuals affected with DNMT1-related conditions. This variant is not present in population databases (gnomAD no frequency). This sequence change replaces lysine, which is basic and polar, with arginine, which is basic and polar, at codon 339 of the DNMT1 protein (p.Lys339Arg).